The following is an entry in ClinVar:

ClinVar aggregate classification (germline): Uncertain significance (1 of 4 stars; one submission).

Conditions:
Catecholaminergic polymorphic ventricular tachycardia 1. Also called: RYR2-Related Catecholaminergic Polymorphic Ventricular Tachycardia; VENTRICULAR TACHYCARDIA, STRESS-INDUCED POLYMORPHIC 1; VENTRICULAR TACHYCARDIA, CATECHOLAMINERGIC POLYMORPHIC, 1, WITH OR WITHOUT ATRIAL DYSFUNCTION AND/OR DILATED CARDIOMYOPATHY. Identifiers: Orphanet 3286, MedGen C1631597, MONDO:0011484, OMIM 604772.

Allele frequency attached by ClinVar (database versions not stated): gnomAD exomes below 0.00001.
gnomAD v4.1: 1 of 1,613,230 alleles (0.000062%); highest among the groups gnomAD compares: East Asian, 0.0022%; no homozygotes.

Submission:

Labcorp Genetics (formerly Invitae), Labcorp
Classification: Uncertain significance for Catecholaminergic polymorphic ventricular tachycardia 1. Last evaluated: 2019-03-28. Review status: criteria provided, single submitter. Criteria: Invitae Variant Classification Sherloc (09022015). Collection method: clinical testing. Allele origin: germline.
Comment: In summary, the available evidence is currently insufficient to determine the role of this variant in disease. Therefore, it has been classified as a Variant of Uncertain Significance. Algorithms developed to predict the effect of sequence changes on RNA splicing suggest that this variant may create or strengthen a splice site, but this prediction has not been confirmed by published transcriptional studies. Algorithms developed to predict the effect of missense changes on protein structure and function (SIFT, PolyPhen-2, Align-GVGD) all suggest that this variant is likely to be disruptive, but these predictions have not been confirmed by published functional studies and their clinical significance is uncertain. This variant has not been reported in the literature in individuals with RYR2-related disease. This variant is not present in population databases (ExAC no frequency). This sequence change replaces glycine with valine at codon 4316 of the RYR2 protein (p.Gly4316Val). The glycine residue is highly conserved and there is a moderate physicochemical difference between glycine and valine.

NM_001035.3(RYR2):c.12947G>T (p.Gly4316Val)

Genes: RYR2 (ryanodine receptor 2; plus strand), LOC126806068 (BRD4-independent group 4 enhancer GRCh37_chr1:237947411-237948610; plus strand). Cytogenetic location: 1q43.
Variant type: single nucleotide variant.
Coding change: c.12947G>T on transcript NM_001035.3 (MANE Select); coding-DNA position 12947, G replaced by T.
Protein change: p.Gly4316Val; replaces glycine 4316 with valine.
Molecular consequence: missense variant.
Genome position (GRCh38, 1-based): chr1:237,784,659, G>T. VCF-style: chr1-237784659-G-T. GRCh37 (hg19) VCF-style: chr1-237947959-G-T.
Other names: c.12947G>T, p.Gly4316Val (LRG_402t1); short protein forms G4316V.
Identifiers: ClinVar variation 651518 (VCV000651518.12), dbSNP rs1471117005, ClinGen allele CA345414801.